The following is an entry in ClinVar:

ClinVar aggregate classification (germline): Uncertain significance (1 of 4 stars; one submission).

Conditions:
Gorlin syndrome. Also called: Nevoid Basal Cell Carcinoma Syndrome; Basal cell nevus syndrome. Identifiers: Orphanet 377, MedGen C0004779, MONDO:0007187.

Allele frequency attached by ClinVar (database versions not stated): TOPMed below 0.00001; gnomAD 0.00001; gnomAD exomes 0.00001; ExAC 0.00004.
gnomAD v4.1: 9 of 1,614,124 alleles (0.00056%); highest among the groups gnomAD compares: Admixed American, 0.015%; no homozygotes.

Submission:

Labcorp Genetics (formerly Invitae), Labcorp
Classification: Uncertain significance for Gorlin syndrome. Last evaluated: 2023-06-27. Review status: criteria provided, single submitter. Criteria: Invitae Variant Classification Sherloc (09022015). Collection method: clinical testing. Allele origin: germline.
Comment: ClinVar contains an entry for this variant (Variation ID: 2080183). In summary, the available evidence is currently insufficient to determine the role of this variant in disease. Therefore, it has been classified as a Variant of Uncertain Significance. This variant has not been reported in the literature in individuals affected with PTCH2-related conditions. This variant is present in population databases (rs751671465, gnomAD 0.03%). This sequence change creates a premature translational stop signal (p.Gln373*) in the PTCH2 gene. It is expected to result in an absent or disrupted protein product. However, the current clinical and genetic evidence is not sufficient to establish whether loss-of-function variants in PTCH2 cause disease.

NM_003738.5(PTCH2):c.1117C>T (p.Gln373Ter)

Gene: PTCH2 (patched 2; minus strand). Cytogenetic location: 1p34.1.
Variant type: single nucleotide variant.
Coding change: c.1117C>T on transcript NM_003738.5 (MANE Select); coding-DNA position 1117, C replaced by T.
Protein change: p.Gln373Ter; replaces glutamine 373 with a stop codon.
Molecular consequence: nonsense.
Genome position (GRCh38, 1-based): chr1:44,829,500, G>A on the plus strand (C>T on the coding strand, the complement: PTCH2 is on the minus strand). VCF-style: chr1-44829500-G-A. GRCh37 (hg19) VCF-style: chr1-45295172-G-A.
Other names: c.1117C>T, p.Gln373Ter (NM_001166292.2); short protein forms Q373*.
Identifiers: ClinVar variation 2080183 (VCV002080183.4), dbSNP rs751671465, ClinGen allele CA823419.
Genomic context (GRCh38, chr1:44,829,500, plus strand): 5'-CTTCAGAGAACGCATGCAGGATGTCATCCAGGGTGGTGGAGGAGAAGGCATGGATCTGCT[G>A]GGAAGCGTTCTCAGGCAGGGCCTCCTGGGCCAGCTGGAGAAACAGGGTGGATAGGAGGGG-3'